The following is an entry in ClinVar:

ClinVar aggregate classification (germline): Uncertain significance (1 of 4 stars; one submission).

Submission:

Labcorp Genetics (formerly Invitae), Labcorp
Classification: Uncertain significance. Last evaluated: 2025-06-18. Review status: criteria provided, single submitter. Criteria: Invitae Variant Classification Sherloc (09022015). Collection method: clinical testing. Allele origin: germline.
Comment: This variant, c.414_419del, results in the deletion of 2 amino acid(s) of the CHD4 protein (p.Glu138_Glu139del), but otherwise preserves the integrity of the reading frame. The frequency data for this variant in the population databases is considered unreliable, as metrics indicate poor data quality at this position in the gnomAD database. This variant has not been reported in the literature in individuals affected with CHD4-related conditions. Experimental studies and prediction algorithms are not available or were not evaluated, and the functional significance of this variant is currently unknown. In summary, the available evidence is currently insufficient to determine the role of this variant in disease. Therefore, it has been classified as a Variant of Uncertain Significance.

NM_001273.5(CHD4):c.399GGA[5] (p.Glu138_Glu139del)

Gene: CHD4 (chromodomain helicase DNA binding protein 4; minus strand). Cytogenetic location: 12p13.31.
Variant type: Microsatellite.
Coding change: c.399GGA[5] on transcript NM_001273.5 (MANE Select); five copies in a row of the 3-base unit GGA starting at c.399; the reference has seven copies in a row; two copies, 6 bases deleted.
Protein change: p.Glu138_Glu139del.
Molecular consequence: inframe deletion.
Genome position (GRCh38, 1-based): chr12:6,601,979-6,601,984, TCCTCC deleted on the plus strand (GGAGGA on the coding strand, the reverse complement: CHD4 is on the minus strand); deleting any 6 consecutive bases within chr12:6,601,979-6,602,000 gives the same sequence; the position shown is the placement nearest the transcript's 3' end. VCF-style (leftmost placement, unchanged base first): chr12-6601978-ATCCTCC-A. GRCh37 (hg19) VCF-style: chr12-6711144-ATCCTCC-A.
Other names: c.378GGA[5], p.Glu131_Glu132del (NM_001297553.2); c.399GGA[5], p.Glu138_Glu139del (NM_001363606.2).
Identifiers: ClinVar variation 4690666 (VCV004690666.1).
Genomic context (GRCh38, chr12:6,601,978, plus strand): 5'-AAAAGTTTAACAGTACAAAGAAGAGGATGGAGGTCCAGGCACCTTTGAATCATCATCATC[ATCCTCC>A]TCCTCCTCCTCCTCCTTCCGCTTGGATTTGCTCTTCTTCTCTTTCTTAGGTCCAAGCTTC-3'